The following is an entry in ClinVar:

ClinVar aggregate classification (germline): Pathogenic (1 of 4 stars; one submission).

Conditions:
Gorlin syndrome. Also called: Basal cell nevus syndrome; Nevoid Basal Cell Carcinoma Syndrome. Identifiers: Orphanet 377, MedGen C0004779, MONDO:0007187.

Submission:

Labcorp Genetics (formerly Invitae), Labcorp
Classification: Pathogenic for Gorlin syndrome. Last evaluated: 2014-09-12. Review status: criteria provided, single submitter. Criteria: Invitae Variant Classification Sherloc (09022015). Collection method: clinical testing. Allele origin: germline.
Comment: This sequence change affects a consensus mRNA splice site in intron 18 and is expected to disrupt mRNA splicing. This sequence change has not been published in the literature and is not present in population databases. However, sequence changes that affect the canonical splice site of PTCH1 are known to be deleterious (PMID: 24204797). In summary, this is a novel sequence change that is expected to disrupt mRNA splicing. Therefore, this sequence change is classified as Pathogenic.

Literature cited by the submitters: PubMed 24204797.

NM_000264.5(PTCH1):c.3168+2T>C

Gene: PTCH1 (patched 1; minus strand). Cytogenetic location: 9q22.32.
Variant type: single nucleotide variant.
Coding change: c.3168+2T>C on transcript NM_000264.5 (MANE Select); the canonical splice donor site of the intron after coding-DNA position 3168, T replaced by C.
Molecular consequence: splice donor variant.
Genome position (GRCh38, 1-based): chr9:95,458,011, A>G on the plus strand (T>C on the coding strand, the complement: PTCH1 is on the minus strand). VCF-style: chr9-95458011-A-G. GRCh37 (hg19) VCF-style: chr9-98220293-A-G.
Other names: c.3165+2T>C (NM_001083603.3); c.2970+2T>C (NM_001083602.3); c.3012+2T>C (NM_001354918.2); c.2715+2T>C (NM_001083605.3, NM_001083604.3, NM_001083606.3 and 1 more transcripts).
Identifiers: ClinVar variation 188082 (VCV000188082.7), dbSNP rs786204056, ClinGen allele CA333995.